The following is an entry in ClinVar:

NM_000297.4(PKD2):c.2218G>A (p.Glu740Lys)

Gene: PKD2 (polycystin 2, transient receptor potential cation channel; plus strand). Cytogenetic location: 4q22.1.
Variant type: single nucleotide variant.
Coding change: c.2218G>A on transcript NM_000297.4 (MANE Select); coding-DNA position 2218, G replaced by A.
Protein change: p.Glu740Lys; replaces glutamic acid 740 with lysine.
Molecular consequence: missense variant. On other transcripts: non-coding transcript variant (1).
Genome position (GRCh38, 1-based): chr4:88,065,473, G>A. VCF-style: chr4-88065473-G-A. GRCh37 (hg19) VCF-style: chr4-88986625-G-A.
Other names: short protein forms E740K.
Identifiers: ClinVar variation 3591419 (VCV003591419.2).

ClinVar aggregate classification (germline): Uncertain significance. Review status: criteria provided, multiple submitters, no conflicts (2 of 4 stars). 2 submissions from 2 submitters: Uncertain significance (2). Last evaluated 2025-12-16.

Conditions:
Autosomal dominant polycystic kidney disease. Identifiers: Orphanet 730, MedGen C0085413, MONDO:0004691.
Polycystic kidney disease 2 (PKD2). Also called: POLYCYSTIC KIDNEY DISEASE, ADULT, TYPE II; Polycystic Kidney Disease 2, Autosomal Dominant; POLYCYSTIC KIDNEY DISEASE 2 WITH OR WITHOUT POLYCYSTIC LIVER DISEASE. Identifiers: MedGen C2751306, MONDO:0013131, OMIM 613095.

gnomAD v4.1: 13 of 1,613,560 alleles (0.00081%); highest among the groups gnomAD compares: African/African-American, 0.0053%; no homozygotes.

Submissions (2):

Labcorp Genetics (formerly Invitae), Labcorp
Classification: Uncertain significance for Autosomal dominant polycystic kidney disease. Last evaluated: 2025-12-16. Review status: criteria provided, single submitter. Criteria: Invitae Variant Classification Sherloc (09022015). Collection method: clinical testing. Allele origin: germline.
Comment: This sequence change replaces glutamic acid, which is acidic and polar, with lysine, which is basic and polar, at codon 740 of the PKD2 protein (p.Glu740Lys). This variant is present in population databases (rs770308463, gnomAD 0.01%). This variant has not been reported in the literature in individuals affected with PKD2-related conditions. ClinVar contains an entry for this variant (Variation ID: 3591419). Invitae Evidence Modeling of protein sequence and biophysical properties (such as structural, functional, and spatial information, amino acid conservation, physicochemical variation, residue mobility, and thermodynamic stability) indicates that this missense variant is expected to disrupt PKD2 protein function with a positive predictive value of 80%. In summary, the available evidence is currently insufficient to determine the role of this variant in disease. Therefore, it has been classified as a Variant of Uncertain Significance.

Fulgent Genetics
Classification: Uncertain significance for Polycystic kidney disease 2. Last evaluated: 2024-04-06. Review status: criteria provided, single submitter. Criteria: ACMG Guidelines, 2015. Collection method: clinical testing. Allele origin: germline.